The following is an entry in ClinVar:

ClinVar aggregate classification (germline): Uncertain significance. Review status: criteria provided, multiple submitters, no conflicts (2 of 4 stars). 2 submissions from 2 submitters: Uncertain significance (2). Last evaluated 2025-07-20.

Conditions:
DIAPH1-related disorder. Also called: DIAPH1-related condition.
Autosomal dominant nonsyndromic hearing loss 1. Also called: DEAFNESS, AUTOSOMAL DOMINANT 1, WITH OR WITHOUT THROMBOCYTOPENIA; KONIGSMARK SYNDROME. Identifiers: Orphanet 90635, MedGen C1852282, MONDO:0007424, OMIM 124900.
Progressive microcephaly-seizures-cortical blindness-developmental delay syndrome. Also called: Seizures, cortical blindness, and microcephaly syndrome. Identifiers: Orphanet 477814, MedGen C5567650, MONDO:0014714, OMIM 616632.

Allele frequency attached by ClinVar (database versions not stated): ExAC 0.00002; gnomAD exomes 0.00002; TOPMed 0.00002; gnomAD 0.00003.
gnomAD v4.1: 34 of 1,613,812 alleles (0.0021%); highest among the groups gnomAD compares: South Asian, 0.0099%; no homozygotes.

Submissions (2):

Labcorp Genetics (formerly Invitae), Labcorp
Classification: Uncertain significance for Progressive microcephaly-seizures-cortical blindness-developmental delay syndrome; Autosomal dominant nonsyndromic hearing loss 1. Last evaluated: 2025-07-20. Review status: criteria provided, single submitter. Criteria: Invitae Variant Classification Sherloc (09022015). Collection method: clinical testing. Allele origin: germline.
Comment: This sequence change replaces arginine, which is basic and polar, with histidine, which is basic and polar, at codon 340 of the DIAPH1 protein (p.Arg340His). This variant is present in population databases (rs751381728, gnomAD 0.01%). This variant has not been reported in the literature in individuals affected with DIAPH1-related conditions. ClinVar contains an entry for this variant (Variation ID: 1491689). Experimental studies and prediction algorithms are not available or were not evaluated, and the functional significance of this variant is currently unknown. In summary, the available evidence is currently insufficient to determine the role of this variant in disease. Therefore, it has been classified as a Variant of Uncertain Significance.

PreventionGenetics, part of Exact Sciences
Classification: Uncertain significance for DIAPH1-related condition. Last evaluated: 2024-11-09. Review status: criteria provided, single submitter. Criteria: ACMG Guidelines, 2015. Collection method: clinical testing. Allele origin: germline.
Comment: The DIAPH1 c.1019G>A variant is predicted to result in the amino acid substitution p.Arg340His. To our knowledge, this variant has not been reported in the literature. This variant is reported in 0.0098% of alleles in individuals of South Asian descent in gnomAD. At this time, the clinical significance of this variant is uncertain due to the absence of conclusive functional and genetic evidence.

NM_005219.5(DIAPH1):c.1019G>A (p.Arg340His)

Gene: DIAPH1 (diaphanous related formin 1; minus strand). Cytogenetic location: 5q31.3.
Variant type: single nucleotide variant.
Coding change: c.1019G>A on transcript NM_005219.5 (MANE Select); coding-DNA position 1019, G replaced by A.
Protein change: p.Arg340His; replaces arginine 340 with histidine.
Molecular consequence: missense variant.
Genome position (GRCh38, 1-based): chr5:141,578,540, C>T on the plus strand (G>A on the coding strand, the complement: DIAPH1 is on the minus strand). VCF-style: chr5-141578540-C-T. GRCh37 (hg19) VCF-style: chr5-140958107-C-T.
Other names: c.1019G>A (NM_005219.4); c.992G>A, p.Arg331His (NM_001079812.3); c.1019G>A, p.Arg340His (NM_001314007.2); short protein forms R340H, R331H.
Identifiers: ClinVar variation 1491689 (VCV001491689.9), dbSNP rs751381728, ClinGen allele CA3479413.
Genomic context (GRCh38, chr5:141,578,540, plus strand): 5'-CAGTCTAGCCTTTCTAATGAAGTGTAATATCTTACCTGCAACACCTGATGTAGCCCCAAA[C>T]GCATCAGTTCACTTCTGATGTGAACTCGGAAGTCAAGTTCCTCCGCTGGTGTGATGAGAG-3'
Protein context (NP_005210.3, residues 330-350): FRVHIRSELM[Arg340His]LGLHQVLQDL